The following is an entry in ClinVar:

ClinVar aggregate classification (germline): Likely benign. Review status: criteria provided, multiple submitters, no conflicts (2 of 4 stars). 2 submissions from 2 submitters: Likely benign (2). Last evaluated 2026-02-24.

Conditions:
SACS-related disorder. Also called: SACS-related condition.
Spastic paraplegia. Identifiers: MedGen C0037772, HP:0001258.

Allele frequency attached by ClinVar (database versions not stated): gnomAD exomes 0.00001 and 0.00002; ExAC 0.00002; gnomAD 0.00006 and 0.00007; TOPMed 0.00012.
gnomAD v4.1: 30 of 1,613,884 alleles (0.0019%); highest among the groups gnomAD compares: African/African-American, 0.039%; no homozygotes.

Submissions (2):

PreventionGenetics, part of Exact Sciences
Classification: Likely benign for SACS-related condition. Last evaluated: 2026-02-24. Review status: criteria provided, single submitter. Criteria: ACMG Guidelines, 2015. Collection method: clinical testing. Allele origin: germline.
Comment: This variant is classified as likely benign based on ACMG/AMP sequence variant interpretation guidelines (Richards et al. 2015 PMID: 25741868, with internal and published modifications).

Labcorp Genetics (formerly Invitae), Labcorp
Classification: Likely benign for Spastic paraplegia. Last evaluated: 2024-02-08. Review status: criteria provided, single submitter. Criteria: Invitae Variant Classification Sherloc (09022015). Collection method: clinical testing. Allele origin: germline.

NM_014363.6(SACS):c.6889T>C (p.Leu2297=)

Gene: SACS (sacsin molecular chaperone; minus strand). Cytogenetic location: 13q12.12.
Variant type: single nucleotide variant.
Coding change: c.6889T>C on transcript NM_014363.6 (MANE Select); coding-DNA position 6889, T replaced by C.
Protein change: p.Leu2297=; no amino-acid change (leucine 2297 retained).
Molecular consequence: synonymous variant.
Genome position (GRCh38, 1-based): chr13:23,336,987, A>G on the plus strand (T>C on the coding strand, the complement: SACS is on the minus strand). VCF-style: chr13-23336987-A-G. GRCh37 (hg19) VCF-style: chr13-23911126-A-G.
Other names: c.6448T>C, p.Leu2150= (NM_001278055.2); c.6889T>C (NM_014363.5).
Identifiers: ClinVar variation 1091331 (VCV001091331.10), dbSNP rs762976734, ClinGen allele CA6911006.